The following is an entry in ClinVar:

NM_005546.4(ITK):c.1710C>T (p.Asp570=)

Gene: ITK (IL2 inducible T cell kinase; plus strand). Cytogenetic location: 5q33.3.
Variant type: single nucleotide variant.
Coding change: c.1710C>T on transcript NM_005546.4 (MANE Select); coding-DNA position 1710, C replaced by T.
Protein change: p.Asp570=; no amino-acid change (aspartic acid 570 retained).
Molecular consequence: synonymous variant.
Genome position (GRCh38, 1-based): chr5:157,248,926, C>T. VCF-style: chr5-157248926-C-T. GRCh37 (hg19) VCF-style: chr5-156675936-C-T.
Other names: c.1710C>T (NM_005546.3).
Identifiers: ClinVar variation 1634495 (VCV001634495.9), dbSNP rs774326746, ClinGen allele CA3533172.

ClinVar aggregate classification (germline): Likely benign. Review status: criteria provided, multiple submitters, no conflicts (2 of 4 stars). 2 submissions from 2 submitters: Likely benign (2). Last evaluated 2025-11-26.

Conditions:
ITK-related disorder. Also called: ITK-related condition.
Lymphoproliferative syndrome 1 (LPFS1). Identifiers: Orphanet 238505, Orphanet 538963, MedGen C3552634, MONDO:0013081, OMIM 613011.

Allele frequency attached by ClinVar (database versions not stated): gnomAD 0.00001; gnomAD exomes 0.00002 and 0.00012; TOPMed 0.00008; ExAC 0.00011.
gnomAD v4.1: 30 of 1,613,906 alleles (0.0019%); highest among the groups gnomAD compares: Admixed American, 0.048%; no homozygotes.

Submissions (2):

Labcorp Genetics (formerly Invitae), Labcorp
Classification: Likely benign for Lymphoproliferative syndrome 1. Last evaluated: 2025-11-26. Review status: criteria provided, single submitter. Criteria: Invitae Variant Classification Sherloc (09022015). Collection method: clinical testing. Allele origin: germline.

PreventionGenetics, part of Exact Sciences
Classification: Likely benign for ITK-related condition. Last evaluated: 2025-08-15. Review status: criteria provided, single submitter. Criteria: ACMG Guidelines, 2015. Collection method: clinical testing. Allele origin: germline.
Comment: This variant is classified as likely benign based on ACMG/AMP sequence variant interpretation guidelines (Richards et al. 2015 PMID: 25741868, with internal and published modifications).